The following is an entry in ClinVar:

NM_001430.5(EPAS1):c.1907A>G (p.Asn636Ser)

Gene: EPAS1 (endothelial PAS domain protein 1; plus strand). Cytogenetic location: 2p21.
Variant type: single nucleotide variant.
Coding change: c.1907A>G on transcript NM_001430.5 (MANE Select); coding-DNA position 1907, A replaced by G.
Protein change: p.Asn636Ser; replaces asparagine 636 with serine.
Molecular consequence: missense variant.
Genome position (GRCh38, 1-based): chr2:46,380,579, A>G. VCF-style: chr2-46380579-A-G. GRCh37 (hg19) VCF-style: chr2-46607718-A-G.
Other names: short protein forms N636S.
Identifiers: ClinVar variation 1782410 (VCV001782410.2), dbSNP rs1295267550, ClinGen allele CA346705125.

ClinVar aggregate classification (germline): Uncertain significance (1 of 4 stars; one submission).

Conditions:
Inborn genetic diseases. Identifiers: MedGen C0950123, MeSH D030342.

Allele frequency attached by ClinVar (database versions not stated): gnomAD exomes below 0.00001; TOPMed below 0.00001.
gnomAD v4.1: 1 of 1,614,018 alleles (0.000062%); highest among the groups gnomAD compares: Non-Finnish European, 0.000085%; no homozygotes.

Submission:

Ambry Genetics
Classification: Uncertain significance for Inborn genetic diseases. Last evaluated: 2022-01-02. Review status: criteria provided, single submitter. Criteria: Ambry Variant Classification Scheme 2023. Collection method: clinical testing. Allele origin: germline.
Comment: The p.N636S variant (also known as c.1907A>G), located in coding exon 12 of the EPAS1 gene, results from an A to G substitution at nucleotide position 1907. The asparagine at codon 636 is replaced by serine, an amino acid with highly similar properties. This amino acid position is conserved. In addition, this alteration is predicted to be tolerated by in silico analysis. Since supporting evidence is limited at this time, the clinical significance of this alteration remains unclear.